The following is an entry in ClinVar:

ClinVar aggregate classification (germline): Pathogenic (1 of 4 stars; one submission).

Conditions:
Jeune thoracic dystrophy. Also called: Jeune syndrome; Infantile thoracic dystrophy; Thoracic pelvic phalangeal dystrophy; Jeune's syndrome; Chondroectodermal dysplasia-like syndrome; Short-rib thoracic dysplasia. Identifiers: Orphanet 474, MedGen C0265275, MONDO:0018770.

Submission:

Labcorp Genetics (formerly Invitae), Labcorp
Classification: Pathogenic for Jeune thoracic dystrophy. Last evaluated: 2024-09-05. Review status: criteria provided, single submitter. Criteria: Invitae Variant Classification Sherloc (09022015). Collection method: clinical testing. Allele origin: germline.
Comment: This sequence change creates a premature translational stop signal (p.Lys2973*) in the DYNC2H1 gene. It is expected to result in an absent or disrupted protein product. Loss-of-function variants in DYNC2H1 are known to be pathogenic (PMID: 23339108, 32753734, 33755199). This variant is not present in population databases (gnomAD no frequency). This variant has not been reported in the literature in individuals affected with DYNC2H1-related conditions. For these reasons, this variant has been classified as Pathogenic.

Literature cited by the submitters: PubMed 23339108; PubMed 32753734; PubMed 33755199.

NM_001377.3(DYNC2H1):c.8917_8921del (p.Asn2972_Lys2973insTer)

Gene: DYNC2H1 (dynein cytoplasmic 2 heavy chain 1; plus strand). Cytogenetic location: 11q22.3.
Variant type: Microsatellite.
Coding change: c.8917_8921del on transcript NM_001377.3 (MANE Select); coding-DNA positions 8917 to 8921, 5 bases deleted (AAAAT; older notation c.8917_8921delAAAAT).
Protein change: p.Asn2972_Lys2973insTer.
Molecular consequence: nonsense.
Genome position (GRCh38, 1-based): chr11:103,219,999-103,220,003, AAAAT deleted; deleting any 5 consecutive bases within chr11:103,219,994-103,220,003 gives the same sequence; the c. name uses the placement nearest the transcript's 3' end. VCF-style (leftmost placement, unchanged base first): chr11-103219993-AAAAAT-A. GRCh37 (hg19) VCF-style: chr11-103090722-AAAAAT-A.
Other names: c.8917_8921del, p.Asn2972_Lys2973insTer (NM_001080463.2).
Identifiers: ClinVar variation 3654270 (VCV003654270.2).